The following is an entry in ClinVar:

NM_001110556.2(FLNA):c.2565+4G>C

Gene: FLNA (filamin A; minus strand). Cytogenetic location: Xq28.
Variant type: single nucleotide variant.
Coding change: c.2565+4G>C on transcript NM_001110556.2 (MANE Select); 4 bases into the intron after coding-DNA position 2565, G replaced by C.
Molecular consequence: intron variant.
Genome position (GRCh38, 1-based): chrX:154,362,414, C>G on the plus strand (G>C on the coding strand, the complement: FLNA is on the minus strand). VCF-style: chrX-154362414-C-G. GRCh37 (hg19) VCF-style: chrX-153590782-C-G.
Other names: c.2565+4G>C (NM_001456.4).
Identifiers: ClinVar variation 4793086 (VCV004793086.1).

ClinVar aggregate classification (germline): Uncertain significance (1 of 4 stars; one submission).

Conditions:
Heterotopia, periventricular, X-linked dominant (PVNH1). Also called: PERIVENTRICULAR NODULAR HETEROTOPIA 1; X-linked periventricular heterotopia; PERIVENTRICULAR NODULAR HETEROTOPIA 4; HETEROTOPIA, PERIVENTRICULAR, 1. Identifiers: Orphanet 2149, Orphanet 82004, MedGen C1848213, MONDO:0010233, OMIM 300049.
Melnick-Needles syndrome (MNS). Also called: MELNICK-NEEDLES OSTEODYSPLASTY; OSTEODYSPLASTY OF MELNICK AND NEEDLES; Melnick-Needles Syndrome (FLNA-MNS). Identifiers: Orphanet 2484, MedGen C0025237, MONDO:0010650, OMIM 309350.
Frontometaphyseal dysplasia (FMD1). Identifiers: Orphanet 1826, MedGen C0265293, MONDO:0015942.
Oto-palato-digital syndrome, type II (OPD2). Also called: FACIOPALATOOSSEOUS SYNDROME; OPD II SYNDROME; Otopalatodigital Syndrome Type 2 (FLNA-OPD2); Otopalatodigital Syndrome, Type II. Identifiers: Orphanet 669, Orphanet 90652, MedGen C1844696, MONDO:0010571, OMIM 304120.

Submission:

Labcorp Genetics (formerly Invitae), Labcorp
Classification: Uncertain significance for Oto-palato-digital syndrome, type II; Heterotopia, periventricular, X-linked dominant; Frontometaphyseal dysplasia; Melnick-Needles syndrome. Last evaluated: 2025-08-13. Review status: criteria provided, single submitter. Criteria: Invitae Variant Classification Sherloc (09022015). Collection method: clinical testing. Allele origin: germline.
Comment: This sequence change falls in intron 17 of the FLNA gene. It does not directly change the encoded amino acid sequence of the FLNA protein. It affects a nucleotide within the consensus splice site. This variant is not present in population databases (gnomAD no frequency). This variant has not been reported in the literature in individuals affected with FLNA-related conditions. Variants that disrupt the consensus splice site are a relatively common cause of aberrant splicing (PMID: 17576681, 9536098). Algorithms developed to predict the effect of sequence changes on RNA splicing suggest that this variant is not likely to affect RNA splicing. In summary, the available evidence is currently insufficient to determine the role of this variant in disease. Therefore, it has been classified as a Variant of Uncertain Significance.

Literature cited by the submitters: PubMed 17576681; PubMed 9536098.